The following is an entry in ClinVar:

ClinVar aggregate classification (germline): Likely pathogenic (1 of 4 stars; one submission).

Conditions:
Retinitis pigmentosa 45 (RP45). Identifiers: OMIM 613767, Orphanet 791, MedGen C3151066, MONDO:0013413.

Allele frequency attached by ClinVar (database versions not stated): gnomAD exomes below 0.00001 and 0.00001; ExAC 0.00002.

Submission:

Ocular Genomics Institute, Massachusetts Eye and Ear
Classification: Likely pathogenic for Retinitis pigmentosa 45. Last evaluated: 2021-04-08. Review status: criteria provided, single submitter. Criteria: ACMG Guidelines, 2015. Collection method: research. Allele origin: germline. Affected: yes.
Comment: Through a review of available evidence we were able to apply the following criteria: PVS1, PM2. Based on this evidence we have classified this variant as Likely Pathogenic.

NM_001297.5(CNGB1):c.2582del (p.Gln861fs)

Gene: CNGB1 (cyclic nucleotide gated channel subunit beta 1; minus strand). Cytogenetic location: 16q21.
Variant type: Deletion.
Coding change: c.2582del on transcript NM_001297.5 (MANE Select); coding-DNA position 2582, one base deleted (A; older notation c.2582delA).
Protein change: p.Gln861fs; shifts the reading frame from glutamine 861.
Molecular consequence: frameshift variant.
Genome position (GRCh38, 1-based): chr16:57,904,786, T deleted on the plus strand (A on the coding strand, the reverse complement: CNGB1 is on the minus strand). VCF-style (leftmost placement, unchanged base first): chr16-57904785-CT-C. GRCh37 (hg19) VCF-style: chr16-57938689-CT-C.
Other names: c.2564del, p.Gln855fs (NM_001286130.2); short protein forms Q855fs, Q861fs.
Identifiers: ClinVar variation 1065759 (VCV001065759.1), dbSNP rs772330738, ClinGen allele CA8082923.